The following is an entry in ClinVar:

NM_002113.3(CFHR1):c.11T>A (p.Leu4Gln)

Gene: CFHR1 (complement factor H related 1; plus strand). Cytogenetic location: 1q31.3.
Variant type: single nucleotide variant.
Coding change: c.11T>A on transcript NM_002113.3 (MANE Select); coding-DNA position 11, T replaced by A.
Protein change: p.Leu4Gln; replaces leucine 4 with glutamine.
Molecular consequence: missense variant.
Genome position (GRCh38, 1-based): chr1:196,819,855, T>A. VCF-style: chr1-196819855-T-A. GRCh37 (hg19) VCF-style: chr1-196788985-T-A.
Other names: p.Leu4Gln; c.11T>A, p.Leu4Gln (NM_001379306.1, NM_001379307.1, NM_001379308.1 and 4 more transcripts); short protein forms L4Q.
Identifiers: ClinVar variation 4542046 (VCV004542046.1).

ClinVar aggregate classification (germline): Uncertain significance (1 of 4 stars; one submission).

Submission:

Mayo Clinic Laboratories, Mayo Clinic
Classification: Uncertain significance. Last evaluated: 2025-03-21. Review status: criteria provided, single submitter. Criteria: ACMG Guidelines, 2015. Collection method: clinical testing. Allele origin: germline. Observed: 1 variant allele.
Comment: BP1